The following is an entry in ClinVar:

NM_014516.4(CNOT3):c.1025G>T (p.Gly342Val)

Gene: CNOT3 (CCR4-NOT transcription complex subunit 3; plus strand). Cytogenetic location: 19q13.42.
Variant type: single nucleotide variant.
Coding change: c.1025G>T on transcript NM_014516.4 (MANE Select); coding-DNA position 1025, G replaced by T.
Protein change: p.Gly342Val; replaces glycine 342 with valine.
Molecular consequence: missense variant.
Genome position (GRCh38, 1-based): chr19:54,148,278, G>T. VCF-style: chr19-54148278-G-T. GRCh37 (hg19) VCF-style: chr19-54652013-G-T.
Other names: short protein forms G342V.
Identifiers: ClinVar variation 1972459 (VCV001972459.8), dbSNP rs200757074, ClinGen allele CA309339574.

ClinVar aggregate classification (germline): Conflicting classifications of pathogenicity. Review status: criteria provided, conflicting classifications (1 of 4 stars). 3 submissions from 3 submitters: Uncertain significance (2); Likely benign (1). Last evaluated 2025-04-11.

Conditions:
Inborn genetic diseases. Identifiers: MedGen C0950123, MeSH D030342.

Allele frequency attached by ClinVar (database versions not stated): ExAC 0.00009; ESP Exome Variant Server 0.00015; 1000 Genomes Project 30x 0.00016; gnomAD 0.00017; 1000 Genomes Project 0.00020; TOPMed 0.00020.
gnomAD v4.1: 47 of 1,608,032 alleles (0.0029%); highest among the groups gnomAD compares: African/African-American, 0.058%; no homozygotes.

Submissions (3):

Women's Health and Genetics/Laboratory Corporation of America, LabCorp
Classification: Uncertain significance. Last evaluated: 2025-04-11. Review status: criteria provided, single submitter. Criteria: LabCorp Variant Classification Summary - May 2015. Collection method: clinical testing. Allele origin: germline.
Comment: Variant summary: CNOT3 c.1025G>T (p.Gly342Val) results in a non-conservative amino acid change in the encoded protein sequence. Three of five in-silico tools predict a damaging effect of the variant on protein function. The variant allele was found at a frequency of 4.6e-05 in 238250 control chromosomes. This frequency is not significantly higher than estimated for a pathogenic variant in CNOT3 causing Intellectual Developmental Disorder With Speech Delay, Autism, And Dysmorphic Facies, allowing no conclusion about variant significance. To our knowledge, no occurrence of c.1025G>T in individuals affected with Intellectual Developmental Disorder With Speech Delay, Autism, And Dysmorphic Facies and no experimental evidence demonstrating its impact on protein function have been reported. ClinVar contains an entry for this variant (Variation ID: 1972459). Based on the evidence outlined above, the variant was classified as uncertain significance.

Labcorp Genetics (formerly Invitae), Labcorp
Classification: Uncertain significance. Last evaluated: 2024-01-13. Review status: criteria provided, single submitter. Criteria: Invitae Variant Classification Sherloc (09022015). Collection method: clinical testing. Allele origin: germline.
Comment: This sequence change replaces glycine, which is neutral and non-polar, with valine, which is neutral and non-polar, at codon 342 of the CNOT3 protein (p.Gly342Val). This variant is present in population databases (rs200757074, gnomAD 0.07%), and has an allele count higher than expected for a pathogenic variant. This variant has not been reported in the literature in individuals affected with CNOT3-related conditions. ClinVar contains an entry for this variant (Variation ID: 1972459). An algorithm developed to predict the effect of missense changes on protein structure and function (PolyPhen-2) suggests that this variant is likely to be disruptive. In summary, the available evidence is currently insufficient to determine the role of this variant in disease. Therefore, it has been classified as a Variant of Uncertain Significance.

Ambry Genetics
Classification: Likely benign for Inborn genetic diseases. Last evaluated: 2022-10-19. Review status: criteria provided, single submitter. Criteria: Ambry Variant Classification Scheme 2023. Collection method: clinical testing. Allele origin: germline.

Literature cited by the submitters: PubMed 28518168 (cited by Ambry Genetics); PubMed 32461654 (cited by Ambry Genetics).